The following is an entry in ClinVar:

NM_152296.5(ATP1A3):c.2921+4A>G

Gene: ATP1A3 (ATPase Na+/K+ transporting subunit alpha 3; minus strand). Cytogenetic location: 19q13.2.
Variant type: single nucleotide variant.
Coding change: c.2921+4A>G on transcript NM_152296.5 (MANE Select); 4 bases into the intron after coding-DNA position 2921, A replaced by G.
Molecular consequence: intron variant.
Genome position (GRCh38, 1-based): chr19:41,967,658, T>C on the plus strand (A>G on the coding strand, the complement: ATP1A3 is on the minus strand). VCF-style: chr19-41967658-T-C. GRCh37 (hg19) VCF-style: chr19-42471810-T-C.
Other names: c.2960+4A>G (NM_001256214.2); c.2954+4A>G (NM_001256213.2).
Identifiers: ClinVar variation 2446553 (VCV002446553.1), dbSNP rs2514025165, ClinGen allele CA2580097323.

ClinVar aggregate classification (germline): Uncertain significance (1 of 4 stars; one submission).

Allele frequency attached by ClinVar (database versions not stated): gnomAD exomes below 0.00001.

Submission:

GeneDx
Classification: Uncertain significance. Last evaluated: 2023-03-28. Review status: criteria provided, single submitter. Criteria: GeneDx Variant Classification Process June 2021. Collection method: clinical testing. Allele origin: germline. Affected: yes.
Comment: Not observed at significant frequency in large population cohorts (gnomAD); Has not been previously published as pathogenic or benign to our knowledge; In silico analysis suggests this variant may impact gene splicing. In the absence of RNA/functional studies, the actual effect of this sequence change is unknown.